The following is an entry in ClinVar:

ClinVar aggregate classification (germline): Conflicting classifications of pathogenicity. Review status: criteria provided, conflicting classifications (1 of 4 stars). 4 submissions from 4 submitters: Uncertain significance (3); Likely benign (1). Last evaluated 2025-12-12.

Conditions:
Cardiovascular phenotype. Identifiers: MedGen CN230736.
Long QT syndrome (LQTS). Identifiers: MedGen C0023976, MeSH D008133, MONDO:0002442. Disease mechanism: loss of function. Inheritance: Various modes of inheritance.

Allele frequency attached by ClinVar (database versions not stated): gnomAD exomes below 0.00001 and 0.00001; gnomAD 0.00003 and 0.00004; TOPMed 0.00004.

Submissions (4):

Labcorp Genetics (formerly Invitae), Labcorp
Classification: Uncertain significance for Long QT syndrome. Last evaluated: 2025-12-12. Review status: criteria provided, single submitter. Criteria: Invitae Variant Classification Sherloc (09022015). Collection method: clinical testing. Allele origin: germline.
Comment: This sequence change replaces aspartic acid, which is acidic and polar, with histidine, which is basic and polar, at codon 2325 of the ANK2 protein (p.Asp2325His). This variant is present in population databases (no rsID available, gnomAD 0.005%). This variant has not been reported in the literature in individuals affected with ANK2-related conditions. ClinVar contains an entry for this variant (Variation ID: 518570). An algorithm developed to predict the effect of missense changes on protein structure and function (PolyPhen-2) suggests that this variant is likely to be tolerated. In summary, the available evidence is currently insufficient to determine the role of this variant in disease. Therefore, it has been classified as a Variant of Uncertain Significance.

GeneDx
Classification: Uncertain significance. Last evaluated: 2025-07-28. Review status: criteria provided, single submitter. Criteria: GeneDx Variant Classification Process June 2021. Collection method: clinical testing. Allele origin: germline. Affected: yes.
Comment: Has not been previously published as pathogenic or benign to our knowledge; In silico analysis suggests that this missense variant does not alter protein structure/function; This variant is associated with the following publications: (PMID: 1830053, 18790697, 26109584)

Ambry Genetics
Classification: Likely benign for Cardiovascular phenotype. Last evaluated: 2020-10-06. Review status: criteria provided, single submitter. Criteria: Ambry Variant Classification Scheme 2023. Collection method: clinical testing. Allele origin: germline.

Women's Health and Genetics/Laboratory Corporation of America, LabCorp
Classification: Uncertain significance. Last evaluated: 2018-06-11. Review status: criteria provided, single submitter. Criteria: LabCorp Variant Classification Summary - May 2015. Collection method: clinical testing. Allele origin: germline.
Comment: Variant summary: ANK2 c.6973G>C (p.Asp2325His) results in a non-conservative amino acid change in the encoded protein sequence. Four of five in-silico tools predict a benign effect of the variant on protein function. The variant allele was found at a frequency of 2.2e-05 in 276420 control chromosomes (gnomAD). The available data on variant occurrences in the general population are insufficient to allow any conclusion about variant significance. To our knowledge, no occurrence of c.6973G>C in individuals affected with Arrhythmia and no experimental evidence demonstrating its impact on protein function have been reported. A ClinVar submission from a clinical diagnostic laboratory cites the variant as uncertain significance. Based on the evidence outlined above, the variant was classified as uncertain significance.

NM_001148.6(ANK2):c.6973G>C (p.Asp2325His)

Genes: ANK2 (ankyrin 2; plus strand), LOC126807137 (CDK7 strongly-dependent group 2 enhancer GRCh37_chr4:114276560-114277759; plus strand). Cytogenetic location: 4q26.
Variant type: single nucleotide variant.
Coding change: c.6973G>C on transcript NM_001148.6 (MANE Select); coding-DNA position 6973, G replaced by C.
Protein change: p.Asp2325His; replaces aspartic acid 2325 with histidine.
Molecular consequence: missense variant. On other transcripts: intron variant (68).
Genome position (GRCh38, 1-based): chr4:113,355,591, G>C. VCF-style: chr4-113355591-G-C. GRCh37 (hg19) VCF-style: chr4-114276747-G-C.
Other names: c.4208-5232G>C (NM_001386153.1, NM_001386146.1, NM_001386150.1 and 1 more transcripts); c.4193-5232G>C (NM_001354274.2, NM_001386154.1); c.4142-5232G>C (NM_001386151.1, NM_001354260.2, NM_001354271.2); c.4043-5232G>C (NM_001386157.1, NM_001354277.2); c.4361-5232G>C (NM_001386161.1, NM_001354244.2, NM_001354256.2); c.4286-5232G>C (NM_001354261.2); c.4166-5232G>C (NM_001386156.1, NM_001354257.2); c.4262-5232G>C (NM_001354264.2); and 35 more; short protein forms D2325H, D1125H, D2247H, D2364H, D2372H.
Identifiers: ClinVar variation 518570 (VCV000518570.13), dbSNP rs1298469624, ClinGen allele CA357928930.